The following is an entry in ClinVar:

ClinVar aggregate classification (germline): Uncertain significance. Review status: criteria provided, multiple submitters, no conflicts (2 of 4 stars). 2 submissions from 2 submitters: Uncertain significance (2). Last evaluated 2021-04-05.

Conditions:
Joubert syndrome. Also called: Familial aplasia of the vermis; JOUBERT-BOLTSHAUSER SYNDROME. Identifiers: Orphanet 475, MedGen C5979921, MONDO:0018772.

gnomAD v4.1: 1 of 1,612,202 alleles (0.000062%); no homozygotes.

Submissions (2):

Labcorp Genetics (formerly Invitae), Labcorp
Classification: Uncertain significance for Joubert syndrome. Last evaluated: 2021-04-05. Review status: criteria provided, single submitter. Criteria: Invitae Variant Classification Sherloc (09022015). Collection method: clinical testing. Allele origin: germline.
Comment: This sequence change replaces threonine with lysine at codon 208 of the INPP5E protein (p.Thr208Lys). The threonine residue is moderately conserved and there is a moderate physicochemical difference between threonine and lysine. In summary, the available evidence is currently insufficient to determine the role of this variant in disease. Therefore, it has been classified as a Variant of Uncertain Significance. Advanced modeling of protein sequence and biophysical properties (such as structural, functional, and spatial information, amino acid conservation, physicochemical variation, residue mobility, and thermodynamic stability) performed at Invitae indicates that this missense variant is not expected to disrupt INPP5E protein function. This variant has not been reported in the literature in individuals with INPP5E-related conditions. This variant is not present in population databases (ExAC no frequency).

Blueprint Genetics
Classification: Uncertain significance. Last evaluated: 2020-09-23. Review status: criteria provided, single submitter. Criteria: ACMG Guidelines, 2015. Collection method: clinical testing. Allele origin: germline.

NM_019892.6(INPP5E):c.623C>A (p.Thr208Lys)

Gene: INPP5E (inositol polyphosphate-5-phosphatase E; minus strand). Cytogenetic location: 9q34.3.
Variant type: single nucleotide variant.
Coding change: c.623C>A on transcript NM_019892.6 (MANE Select); coding-DNA position 623, C replaced by A.
Protein change: p.Thr208Lys; replaces threonine 208 with lysine.
Molecular consequence: missense variant.
Genome position (GRCh38, 1-based): chr9:136,438,797, G>T on the plus strand (C>A on the coding strand, the complement: INPP5E is on the minus strand). VCF-style: chr9-136438797-G-T. GRCh37 (hg19) VCF-style: chr9-139333249-G-T.
Other names: c.623C>A, p.Thr208Lys (NM_001318502.2); short protein forms T208K.
Identifiers: ClinVar variation 1474651 (VCV001474651.9), dbSNP rs143107549, ClinGen allele CA375568151.